The following is an entry in ClinVar:

NM_020791.4(TAOK1):c.653T>C (p.Leu218Pro)

Gene: TAOK1 (TAO kinase 1; plus strand). Cytogenetic location: 17q11.2.
Variant type: single nucleotide variant.
Coding change: c.653T>C on transcript NM_020791.4 (MANE Select); coding-DNA position 653, T replaced by C.
Protein change: p.Leu218Pro; replaces leucine 218 with proline.
Molecular consequence: missense variant.
Genome position (GRCh38, 1-based): chr17:29,482,286, T>C. VCF-style: chr17-29482286-T-C. GRCh37 (hg19) VCF-style: chr17-27809304-T-C.
Other names: c.653T>C, p.Leu218Pro (NM_025142.1); short protein forms L218P.
Identifiers: ClinVar variation 2692584 (VCV002692584.1), dbSNP rs2508210940, ClinGen allele CA399191088.
Genomic context (GRCh38, chr17:29,482,286, plus strand): 5'-ATGAAGGACAATATGATGGCAAAGTAGATGTGTGGTCTCTTGGAATAACATGTATTGAAC[T>C]AGGTAAGCATTGTTCTTCATTACTATGGATTAAGTTTTGATCAATGTTTTACCTCAATTT-3'
Protein context (NP_065842.1, residues 208-228): VWSLGITCIE[Leu218Pro]AERKPPLFNM

ClinVar aggregate classification (germline): Likely pathogenic (1 of 4 stars; one submission).

Conditions:
Developmental delay with or without intellectual impairment or behavioral abnormalities. Identifiers: MedGen C5562004, MONDO:0859199, OMIM 619575.

Submission:

Greenwood Genetic Center Diagnostic Laboratories, Greenwood Genetic Center
Classification: Likely pathogenic for Developmental delay with or without intellectual impairment or behavioral abnormalities. Last evaluated: 2023-11-01. Review status: criteria provided, single submitter. Criteria: ACMG Guidelines, 2015. Collection method: clinical testing. Allele origin: germline. Affected: yes.
Comment: PS2, PM2, PP2, PP3